The following is an entry in ClinVar:

NC_000009.12:g.(?_137139467)_(137834973_?)del

Genes: RNF224 (ring finger protein 224; plus strand), SLC34A3 (solute carrier family 34 member 3; plus strand), STPG3 (sperm-tail PG-rich repeat containing 3; plus strand), TMEM203 (transmembrane protein 203; minus strand), SSNA1 (SS nuclear autoantigen 1; plus strand) and 24 more. Cytogenetic location: 9q34.3.
Variant type: Deletion.
Identifiers: ClinVar variation 830975 (VCV000830975.1).

ClinVar aggregate classification (germline): Pathogenic (1 of 4 stars; one submission).

Conditions:
Kleefstra syndrome 1 (KLEFS1). Identifiers: Orphanet 261494, MedGen C0795833, MONDO:0027407, OMIM 610253.

Submission:

Labcorp Genetics (formerly Invitae), Labcorp
Classification: Pathogenic for Kleefstra syndrome 1. Last evaluated: 2019-09-30. Review status: criteria provided, single submitter. Criteria: Invitae Variant Classification Sherloc (09022015). Collection method: clinical testing. Allele origin: germline.
Comment: A gross deletion of the genomic region encompassing the full coding sequence of the EHMT1 gene has been identified. The boundaries of this event are unknown as the deletion extends beyond the assayed region for this gene and therefore may encompass additional genes. A similar copy number variant has been observed in an individual affected with Kleefstra syndrome (PMID: 26833960). Loss-of-function variants in EHMT1 are known to be pathogenic (PMID: 16826528, 19264732). For these reasons, this variant has been classified as Pathogenic.

Literature cited by the submitters: PubMed 26833960.